The following is an entry in ClinVar:

ClinVar aggregate classification (germline): Uncertain significance (1 of 4 stars; one submission).

Allele frequency attached by ClinVar (database versions not stated): gnomAD exomes 0.00004.
gnomAD v4.1: 63 of 1,567,688 alleles (0.004%); highest among the groups gnomAD compares: Middle Eastern, 0.017%; no homozygotes.

Submission:

Labcorp Genetics (formerly Invitae), Labcorp
Classification: Uncertain significance. Last evaluated: 2025-04-22. Review status: criteria provided, single submitter. Criteria: Invitae Variant Classification Sherloc (09022015). Collection method: clinical testing. Allele origin: germline.
Comment: This sequence change affects codon 64 of the ERBIN mRNA. It is a 'silent' change, meaning that it does not change the encoded amino acid sequence of the ERBIN protein. The frequency data for this variant in the population databases is considered unreliable, as metrics indicate poor data quality at this position in the gnomAD database. This variant has not been reported in the literature in individuals affected with ERBIN-related conditions. ClinVar contains an entry for this variant (Variation ID: 1371422). Algorithms developed to predict the effect of sequence changes on RNA splicing suggest that this variant may create or strengthen a splice site. In summary, the available evidence is currently insufficient to determine the role of this variant in disease. Therefore, it has been classified as a Variant of Uncertain Significance.

NM_001253697.2(ERBIN):c.192A>G (p.Gln64=)

Gene: ERBIN (erbb2 interacting protein; plus strand). Cytogenetic location: 5q12.3.
Variant type: single nucleotide variant.
Coding change: c.192A>G on transcript NM_001253697.2 (MANE Select); coding-DNA position 192, A replaced by G.
Protein change: p.Gln64=; no amino-acid change (glutamine 64 retained).
Molecular consequence: synonymous variant.
Genome position (GRCh38, 1-based): chr5:65,994,749, A>G. VCF-style: chr5-65994749-A-G. GRCh37 (hg19) VCF-style: chr5-65290577-A-G.
Other names: c.192A>G, p.Gln64= (NM_001006600.3, NM_001253698.2, NM_001253699.2 and 2 more transcripts).
Identifiers: ClinVar variation 1371422 (VCV001371422.8), dbSNP rs764743869, ClinGen allele CA3285846.
Genomic context (GRCh38, chr5:65,994,749, plus strand): 5'-TTCATGAAATATTTAAAGATGTATATAATTGACATTCTTTCCTCCCTTTTTTCAATAGCA[A>G]CTTTTTAACTGTCAGTCTTTACACAAACTGAGTTTGCCAGACAATGATTTAACAACGTTA-3'
Protein context (NP_001240626.1, residues 54-74): DANQIEELPK[Gln64=]LFNCQSLHKL